The following is an entry in ClinVar:

ClinVar aggregate classification (germline): Pathogenic (1 of 4 stars; one submission).

Conditions:
Combined oxidative phosphorylation defect type 17. Also called: Combined oxidative phosphorylation deficiency 17. Identifiers: Orphanet 369913, MedGen C3809526, MONDO:0014190, OMIM 615440.

Submission:

Labcorp Genetics (formerly Invitae), Labcorp
Classification: Pathogenic for Combined oxidative phosphorylation defect type 17. Last evaluated: 2025-09-01. Review status: criteria provided, single submitter. Criteria: Invitae Variant Classification Sherloc (09022015). Collection method: clinical testing. Allele origin: germline.
Comment: This sequence change creates a premature translational stop signal (p.Cys136Leufs*41) in the ELAC2 gene. It is expected to result in an absent or disrupted protein product. Loss-of-function variants in ELAC2 are known to be pathogenic (PMID: 27769300, 31045291). This variant is present in population databases (rs751784124, gnomAD 0.0009%). This variant has not been reported in the literature in individuals affected with ELAC2-related conditions. ClinVar contains an entry for this variant (Variation ID: 3613950). For these reasons, this variant has been classified as Pathogenic.

Literature cited by the submitters: PubMed 27769300; PubMed 31045291.

NM_018127.7(ELAC2):c.406dup (p.Cys136fs)

Gene: ELAC2 (elaC ribonuclease Z 2; minus strand). Cytogenetic location: 17p12.
Variant type: Duplication.
Coding change: c.406dup on transcript NM_018127.7 (MANE Select); coding-DNA position 406, one base duplicated (T; older notation c.406dupT).
Protein change: p.Cys136fs; shifts the reading frame from cysteine 136.
Molecular consequence: frameshift variant.
Genome position (GRCh38, 1-based): chr17:13,015,794, A duplicated on the plus strand (T on the coding strand, the reverse complement: ELAC2 is on the minus strand). VCF-style (leftmost placement, unchanged base first): chr17-13015793-C-CA. GRCh37 (hg19) VCF-style: chr17-12919110-C-CA.
Other names: c.406dup, p.Cys136fs (NM_001165962.2, NM_173717.2); short protein forms C136fs.
Identifiers: ClinVar variation 3613950 (VCV003613950.2).
Genomic context (GRCh38, chr17:13,015,793, plus strand): 5'-GATTGCTTTTGAAAGATGTGTCAGGAAAGACTCACCAGTTGTGGAGGTCCAGAAAGTACA[C>CA]ACTTTGGAAGCCCGGTTTCCTTTAAAGTAAGAATCATTCCTAAAAAGGATGCATAAAATC-3'